The following is an entry in ClinVar:

ClinVar aggregate classification (germline): Pathogenic (1 of 4 stars; one submission).

Conditions:
Neurofibromatosis, type 1 (NF1). Also called: VON RECKLINGHAUSEN DISEASE; Peripheral type neurofibromatosis; Neurofibromatosis, type I; NEUROFIBROMATOSIS, TYPE I, SOMATIC. Identifiers: Orphanet 636, MedGen C0027831, MONDO:0018975, OMIM 162200. Disease mechanism: loss of function.

Submission:

Labcorp Genetics (formerly Invitae), Labcorp
Classification: Pathogenic for Neurofibromatosis, type 1. Last evaluated: 2021-05-25. Review status: criteria provided, single submitter. Criteria: Invitae Variant Classification Sherloc (09022015). Collection method: clinical testing. Allele origin: germline.
Comment: This sequence change creates a premature translational stop signal (p.Ala330Glnfs*46) in the NF1 gene. It is expected to result in an absent or disrupted protein product. Loss-of-function variants in NF1 are known to be pathogenic (PMID: 10712197, 23913538). This variant is not present in population databases (ExAC no frequency). This variant has not been reported in the literature in individuals with NF1-related conditions. For these reasons, this variant has been classified as Pathogenic.

Literature cited by the submitters: PubMed 10712197; PubMed 23913538.

NM_001042492.3(NF1):c.987del (p.Ala330fs)

Gene: NF1 (neurofibromin 1; plus strand). Cytogenetic location: 17q11.2.
Variant type: Deletion.
Coding change: c.987del on transcript NM_001042492.3 (MANE Select); coding-DNA position 987, one base deleted (A; older notation c.987delA).
Protein change: p.Ala330fs; shifts the reading frame from alanine 330.
Molecular consequence: frameshift variant.
Genome position (GRCh38, 1-based): chr17:31,200,520, A deleted; the last of 3 consecutive A bases (chr17:31,200,518-31,200,520); deleting any one gives the same sequence. VCF-style (leftmost placement, unchanged base first): chr17-31200517-TA-T. GRCh37 (hg19) VCF-style: chr17-29527535-TA-T.
Other names: c.987del, p.Ala330fs (NM_001128147.3); c.987delA, p.Ala330Glnfs (NM_000267.4); short protein forms A330fs.
Identifiers: ClinVar variation 1385584 (VCV001385584.6), dbSNP rs2143873403, ClinGen allele CA2573153755.